The following is an entry in ClinVar:

ClinVar aggregate classification (germline): Benign/Likely benign. Review status: criteria provided, multiple submitters, no conflicts (2 of 4 stars). 9 submissions from 8 submitters: Benign (2); Likely benign (6). 1 of the submissions does not count toward it. Last evaluated 2026-01-22.

Conditions:
Rothmund-Thomson syndrome type 2 (RTS2). Identifiers: Orphanet 221016, MedGen C5203410, MONDO:0016369, OMIM 268400.
RECQL4-related disorder. Also called: RECQL4-related condition; RECQL4-related disorders.
Hereditary cancer-predisposing syndrome. Also called: Tumor predisposition; Hereditary neoplastic syndrome; Hereditary Cancer Syndrome; Neoplastic Syndromes, Hereditary. Identifiers: Orphanet 140162, MedGen C0027672, MeSH D009386, MONDO:0015356.
Baller-Gerold syndrome (BGS). Also called: CRANIOSYNOSTOSIS WITH RADIAL DEFECTS. Identifiers: Orphanet 1225, MedGen C0265308, MONDO:0009039, OMIM 218600.
Rapadilino syndrome. Identifiers: Orphanet 3021, MedGen C1849453, MONDO:0009955, OMIM 266280.

Allele frequency attached by ClinVar (database versions not stated): gnomAD exomes 0.00008 and 0.00018; ExAC 0.00022; ESP Exome Variant Server 0.00055; gnomAD 0.00060 and 0.00062; TOPMed 0.00060; 1000 Genomes Project 30x 0.00094; 1000 Genomes Project 0.00100.

Submissions (9):

Labcorp Genetics (formerly Invitae), Labcorp
Classification: Benign for Baller-Gerold syndrome. Last evaluated: 2026-01-22. Review status: criteria provided, single submitter. Criteria: Invitae Variant Classification Sherloc (09022015). Collection method: clinical testing. Allele origin: germline.

KCCC/NGS Laboratory, Kuwait Cancer Control Center
Classification: Benign for Rapadilino syndrome. Last evaluated: 2025-02-01. Review status: criteria provided, single submitter. Criteria: ACMG Guidelines, 2015. Collection method: clinical testing. Allele origin: germline. Affected: no.

Blueprint Genetics
Classification: Likely benign. Last evaluated: 2024-07-04. Review status: criteria provided, single submitter. Criteria: ACMG Guidelines, 2015. Collection method: clinical testing. Allele origin: germline.

CeGaT Center for Human Genetics Tuebingen
Classification: Likely benign. Last evaluated: 2023-11-01. Review status: criteria provided, single submitter. Criteria: CeGaT Center For Human Genetics Tuebingen Variant Classification Criteria Version 2. Collection method: clinical testing. Allele origin: germline. Affected: yes. Observed: 1 variant allele.
Comment: RECQL4: BP4, BP7

KCCC/NGS Laboratory, Kuwait Cancer Control Center
Classification: Likely benign for Rothmund-Thomson syndrome type 2. Last evaluated: 2023-07-07. Review status: criteria provided, single submitter. Criteria: ACMG Guidelines, 2015. Collection method: clinical testing. Allele origin: germline. Affected: yes.

GeneDx
Classification: Likely benign. Last evaluated: 2021-06-02. Review status: criteria provided, single submitter. Criteria: GeneDx Variant Classification Process June 2021. Collection method: clinical testing. Allele origin: germline. Affected: yes.

Sema4
Classification: Likely benign for Hereditary cancer-predisposing syndrome. Last evaluated: 2021-01-29. Review status: criteria provided, single submitter. Criteria: Sema4 Curation Guidelines. Collection method: curation. Allele origin: germline.

Breakthrough Genomics
Classification: Likely benign. Review status: criteria provided, single submitter. Criteria: ACMG Guidelines, 2015. Collection method: not provided. Allele origin: germline. Inheritance: Autosomal recessive inheritance. Affected: yes.

PreventionGenetics, part of Exact Sciences
Classification: Likely benign for RECQL4-related condition. Last evaluated: 2023-11-30. Review status: no assertion criteria provided. Collection method: clinical testing. Allele origin: germline. Not counted in ClinVar's aggregate classification.
Comment: This variant is classified as likely benign based on ACMG/AMP sequence variant interpretation guidelines (Richards et al. 2015 PMID: 25741868, with internal and published modifications).

NM_004260.4(RECQL4):c.3009G>A (p.Val1003=)

Gene: RECQL4 (RecQ like helicase 4; minus strand). Cytogenetic location: 8q24.3.
Variant type: single nucleotide variant.
Coding change: c.3009G>A on transcript NM_004260.4 (MANE Select); coding-DNA position 3009, G replaced by A.
Protein change: p.Val1003=; no amino-acid change (valine 1003 retained).
Molecular consequence: synonymous variant.
Genome position (GRCh38, 1-based): chr8:144,512,438, C>T on the plus strand (G>A on the coding strand, the complement: RECQL4 is on the minus strand). VCF-style: chr8-144512438-C-T. GRCh37 (hg19) VCF-style: chr8-145737821-C-T.
Identifiers: ClinVar variation 414181 (VCV000414181.41), dbSNP rs34919378, ClinGen allele CA4947977.
Genomic context (GRCh38, chr8:144,512,438, plus strand): 5'-GGGGAGAGGCGCACCTGTCCTGGGCTCGTGGTCCCACTGCAGCTGGCAGAGAGCCCGCCG[C>T]ACAGAGGCCAGCTCCCAGCCCATGGAGTCCACCAGCTTGACCATGTCAAACTCCACGGAG-3'
Protein context (NP_004251.4, residues 993-1013): VDSMGWELAS[Val1003=]RRALCQLQWD